The following is an entry in ClinVar:

NM_001371623.1(TCOF1):c.3604-7T>G

Gene: TCOF1 (treacle ribosome biogenesis factor 1; plus strand). Cytogenetic location: 5q32.
Variant type: single nucleotide variant.
Coding change: c.3604-7T>G on transcript NM_001371623.1 (MANE Select); 7 bases into the intron before coding-DNA position 3604, T replaced by G.
Molecular consequence: intron variant.
Genome position (GRCh38, 1-based): chr5:150,393,365, T>G. VCF-style: chr5-150393365-T-G. GRCh37 (hg19) VCF-style: chr5-149772928-T-G.
Other names: c.3601-7T>G (NM_001135243.2); c.3490-7T>G (NM_001135244.2); c.3487-7T>G (NM_001195141.2); c.3370-7T>G (NM_001437406.1, NM_000356.4); c.3373-7T>G (NM_001135245.2).
Identifiers: ClinVar variation 4680890 (VCV004680890.1).
Genomic context (GRCh38, chr5:150,393,365, plus strand): 5'-TGACTCGGGCTGGGTTATGGCAGTGGGGTGGGGTGGTGGCAGCCTCTTTCACAATGGGCT[T>G]CTTCAGTCTCTCCTCTCAGGTTATATGACCCCTGGACTAACCCCAGCCAATTCCCAGGCC-3'

ClinVar aggregate classification (germline): Uncertain significance (1 of 4 stars; one submission).

gnomAD v4.1: 3 of 1,613,906 alleles (0.00019%); highest among the groups gnomAD compares: Non-Finnish European, 0.00025%; no homozygotes.

Submission:

GeneDx
Classification: Uncertain significance. Last evaluated: 2025-07-01. Review status: criteria provided, single submitter. Criteria: GeneDx Variant Classification Process June 2021. Collection method: clinical testing. Allele origin: germline. Affected: yes.
Comment: In silico analysis suggests that this variant does not alter splicing; Has not been previously published as pathogenic or benign to our knowledge